The following is an entry in ClinVar:

ClinVar aggregate classification (germline): Uncertain significance (1 of 4 stars; one submission).

Conditions:
KIDINS220-related disorder. Also called: KIDINS220-related condition.

gnomAD v4.1: 2 of 1,614,044 alleles (0.00012%); highest among the groups gnomAD compares: African/African-American, 0.0027%; no homozygotes.

Submission:

PreventionGenetics, part of Exact Sciences
Classification: Uncertain significance for KIDINS220-related condition. Last evaluated: 2025-07-15. Review status: criteria provided, single submitter. Criteria: ACMG Guidelines, 2015. Collection method: clinical testing. Allele origin: germline.
Comment: The KIDINS220 c.2305C>T variant is not predicted to result in an amino acid change (p.=). This variant is predicted to create a cryptic splice donor site (SpliceAI, Jaganathan et al. 2019. PubMed ID: 30661751). To our knowledge, this variant has not been reported in the literature or in a large population database (gnomAD), indicating this variant is rare. At this time, the clinical significance of this variant is uncertain due to the absence of conclusive functional and genetic evidence.

NM_020738.4(KIDINS220):c.2305C>T (p.Leu769=)

Gene: KIDINS220 (kinase D interacting substrate 220; minus strand). Cytogenetic location: 2p25.1.
Variant type: single nucleotide variant.
Coding change: c.2305C>T on transcript NM_020738.4 (MANE Select); coding-DNA position 2305, C replaced by T.
Protein change: p.Leu769=; no amino-acid change (leucine 769 retained).
Molecular consequence: synonymous variant. On other transcripts: non-coding transcript variant (2).
Genome position (GRCh38, 1-based): chr2:8,779,739, G>A on the plus strand (C>T on the coding strand, the complement: KIDINS220 is on the minus strand). VCF-style: chr2-8779739-G-A. GRCh37 (hg19) VCF-style: chr2-8919869-G-A.
Other names: c.2308C>T, p.Leu770= (NM_001348729.2, NM_001348731.2, NM_001348734.2 and 3 more transcripts); c.2305C>T, p.Leu769= (NM_001348732.2, NM_001348735.2, NM_001348738.2 and 3 more transcripts); c.2179C>T, p.Leu727= (NM_001348736.2).
Identifiers: ClinVar variation 5001375 (VCV005001375.1).
Genomic context (GRCh38, chr2:8,779,739, plus strand): 5'-CCAGCATCTGAAGGACTTTGTCCTGCTCACAGGCATCTAATCCATCGATGATGACCACCA[G>A]CCTTGTCTGATTCTGAGTGAAGCTGTCAATGGTTTTTGCCATCCTGGCCATCAATTCCAC-3'
Protein context (NP_065789.1, residues 759-779): IDSFTQNQTR[Leu769=]VVIIDGLDAC